The following is an entry in ClinVar:

NM_001257291.2(SLC9A7):c.1624G>A (p.Val542Ile)

Gene: SLC9A7 (solute carrier family 9 member A7; minus strand). Cytogenetic location: Xp11.3.
Variant type: single nucleotide variant.
Coding change: c.1624G>A on transcript NM_001257291.2 (MANE Select); coding-DNA position 1624, G replaced by A.
Protein change: p.Val542Ile; replaces valine 542 with isoleucine.
Molecular consequence: missense variant.
Genome position (GRCh38, 1-based): chrX:46,635,641, C>T on the plus strand (G>A on the coding strand, the complement: SLC9A7 is on the minus strand). VCF-style: chrX-46635641-C-T. GRCh37 (hg19) VCF-style: chrX-46495076-C-T.
Other names: c.1621G>A, p.Val541Ile (NM_032591.3); short protein forms V542I, V541I.
Identifiers: ClinVar variation 1982095 (VCV001982095.4), dbSNP rs1487931232, ClinGen allele CA413034719.

ClinVar aggregate classification (germline): Uncertain significance (1 of 4 stars; one submission).

Allele frequency attached by ClinVar (database versions not stated): gnomAD exomes 0.00001; TOPMed 0.00001.

Submission:

Labcorp Genetics (formerly Invitae), Labcorp
Classification: Uncertain significance. Last evaluated: 2023-07-17. Review status: criteria provided, single submitter. Criteria: Invitae Variant Classification Sherloc (09022015). Collection method: clinical testing. Allele origin: germline.
Comment: This variant has not been reported in the literature in individuals affected with SLC9A7-related conditions. This variant is present in population databases (no rsID available, gnomAD 0.005%). This sequence change replaces valine, which is neutral and non-polar, with isoleucine, which is neutral and non-polar, at codon 542 of the SLC9A7 protein (p.Val542Ile). ClinVar contains an entry for this variant (Variation ID: 1982095). In summary, the available evidence is currently insufficient to determine the role of this variant in disease. Therefore, it has been classified as a Variant of Uncertain Significance. Advanced modeling of protein sequence and biophysical properties (such as structural, functional, and spatial information, amino acid conservation, physicochemical variation, residue mobility, and thermodynamic stability) performed at Invitae indicates that this missense variant is not expected to disrupt SLC9A7 protein function.